The following is an entry in ClinVar:

ClinVar aggregate classification (germline): Pathogenic. Review status: no assertion criteria provided (0 of 4 stars). 2 submissions from 2 submitters: Pathogenic (2). Last evaluated 2016-03-01.

Conditions:
Hyperphosphatasia with impaired intellectual development syndrome 4. Also called: GLYCOSYLPHOSPHATIDYLINOSITOL BIOSYNTHESIS DEFECT 10; Hyperphosphatasia with intellectual disability syndrome 4. Identifiers: Orphanet 247262, MedGen C3810354, MONDO:0014318, OMIM 615716.

Submissions (2):

Institute for Medical Genetics and Human Genetics, Charité - Universitätsmedizin Berlin
Classification: Pathogenic for Hyperphosphatasia with impaired intellectual development syndrome 4. Last evaluated: 2016-03-01. Review status: no assertion criteria provided. Collection method: research. Allele origin: germline. Affected: yes.
Comment: Disease causing variant in homozygous or compound heterozygous state

OMIM
Classification: Pathogenic for HYPERPHOSPHATASIA WITH IMPAIRED INTELLECTUAL DEVELOPMENT SYNDROME 4. Last evaluated: 2014-02-06. Review status: no assertion criteria provided. Collection method: literature only. Allele origin: germline.

Literature cited by the submitters: PubMed 22315194 (cited by OMIM); PubMed 24439110 (cited by OMIM).

NM_033419.5(PGAP3):c.439dup (p.Leu147fs)

Gene: PGAP3 (post-GPI attachment to proteins phospholipase 3; minus strand). Cytogenetic location: 17q12.
Variant type: Duplication.
Coding change: c.439dup on transcript NM_033419.5 (MANE Select); coding-DNA position 439, one base duplicated (C; older notation c.439dupC).
Protein change: p.Leu147fs; shifts the reading frame from leucine 147.
Molecular consequence: frameshift variant. On other transcripts: intron variant (3).
Genome position (GRCh38, 1-based): chr17:39,674,673, G duplicated on the plus strand (C on the coding strand, the reverse complement: PGAP3 is on the minus strand); the first of 3 consecutive G bases (chr17:39,674,673-39,674,675); duplicating any one gives the same sequence. VCF-style (leftmost placement, unchanged base first): chr17-39674672-A-AG. GRCh37 (hg19) VCF-style: chr17-37830925-A-AG.
Other names: c.286dup, p.Leu96fs (NM_001291726.2); c.439dup, p.Leu147fs (NM_001291730.2); c.433-1807dup (NM_001291733.2); c.433-619dup (NM_001291732.2, NM_001291728.2); short protein forms L147fs, L96fs.
Identifiers: ClinVar variation 224646 (VCV000224646.5), dbSNP rs869312815, ClinGen allele CA353567.